The following is an entry in ClinVar:

NM_000426.4(LAMA2):c.4561G>T (p.Gly1521Ter)

Gene: LAMA2 (laminin subunit alpha 2; plus strand). Cytogenetic location: 6q22.33.
Variant type: single nucleotide variant.
Coding change: c.4561G>T on transcript NM_000426.4 (MANE Select); coding-DNA position 4561, G replaced by T.
Protein change: p.Gly1521Ter; replaces glycine 1521 with a stop codon.
Molecular consequence: nonsense.
Genome position (GRCh38, 1-based): chr6:129,353,201, G>T. VCF-style: chr6-129353201-G-T. GRCh37 (hg19) VCF-style: chr6-129674346-G-T.
Other names: c.4561G>T, p.Gly1521Ter (NM_001079823.2); short protein forms G1521*.
Identifiers: ClinVar variation 984084 (VCV000984084.4), dbSNP rs1776953529, ClinGen allele CA365618502.

ClinVar aggregate classification (germline): Likely pathogenic (1 of 4 stars; one submission).

Conditions:
LAMA2-related muscular dystrophy (LAMA2-RD). Also called: Laminin alpha 2-related dystrophy. Identifiers: MedGen C5679788, MONDO:0100228.

Submission:

Myriad Genetics, Inc.
Classification: Likely pathogenic for LAMA2-related muscular dystrophy. Last evaluated: 2020-01-15. Review status: criteria provided, single submitter. Criteria: Myriad Autosomal Dominant, Autosomal Recessive and X-Linked Classification Criteria (2023). Collection method: clinical testing. Allele origin: unknown.
Comment: NM_000426.3(LAMA2):c.4561G>T(G1521*) is expected to be pathogenic in the context of LAMA2-related muscular dystrophy. This variant is predicted to lead to an abnormal or absent protein product due to the creation of a premature termination codon in LAMA2, a gene where loss-of-function variants are known to be pathogenic. Please note: this variant was assessed in the context of healthy population screening.